The following is an entry in ClinVar:

ClinVar aggregate classification (germline): Pathogenic. Review status: reviewed by expert panel (3 of 4 stars). 9 submissions from 9 submitters: Pathogenic (1). 8 of the submissions do not count toward it. Last evaluated 2026-04-29.

Conditions:
SGCA-related disorder. Also called: SGCA-related condition.
Autosomal recessive limb-girdle muscular dystrophy. Identifiers: Orphanet 102015, MedGen C2931907, MONDO:0015152.
Autosomal recessive limb-girdle muscular dystrophy type 2D (LGMDR3). Also called: MUSCULAR DYSTROPHY, LIMB-GIRDLE, AUTOSOMAL RECESSIVE 3; DUCHENNE-LIKE AUTOSOMAL RECESSIVE MUSCULAR DYSTROPHY, TYPE 2; ADHALINOPATHY, PRIMARY. Identifiers: Orphanet 62, MedGen C2936332, MONDO:0011968, OMIM 608099. Disease mechanism: Affects gamma-sarcoglycan and also disrupts the integrity of the entire sarcoglycan complex..

Allele frequency attached by ClinVar (database versions not stated): gnomAD below 0.00001 and 0.00001; gnomAD exomes below 0.00001; ExAC 0.00001; TOPMed 0.00001.
gnomAD v4.1: 4 of 1,612,594 alleles (0.00025%); highest among the groups gnomAD compares: South Asian, 0.0033%; no homozygotes.

Submissions (9):

ClinGen Limb Girdle Muscular Dystrophy Variant Curation Expert Panel, ClinGen
Classification: Pathogenic for Autosomal recessive limb-girdle muscular dystrophy. Last evaluated: 2026-04-29. Review status: reviewed by expert panel. Criteria: ClinGen LGMD VCEP ACMG Specifications SGCA V2.0.0. Collection method: curation. Allele origin: germline. Inheritance: Autosomal recessive inheritance.
Comment: The NM_000023.4: c.37+6T>C variant in SGCA occurs outside the canonical splice donor site (+/- 1,2) of intron 1. SpliceAI gives a delta score of 0.51 for loss of the canonical donor and of 0.25 for gain of a cryptic donor 59 bp into the intron. RNA-seq on a LGMD patient carrying the variant and a second missense variant (c.725T>C, p.Val242Arg) showed a reduced number of reads with normal splicing at the junction compared to a control sample. The patient sample also showed a 59-bp partial intron 1 retention that was not observed in the control sample and introduces a frameshift with nonsense mediated decay expected (PMID: 39755676; PVS1_RNA_Moderate). This variant has been detected in at least six individuals with limb-girdle muscular dystrophy, including in a homozygous state in 5 patients (1 pt, PMID: 35416532, 39755676; International Centre for Genomic Medicine in Neuromuscular Diseases internal data communication) (PM3). At least one patient with this variant and a second presumed diagnostic SGCA variant displayed progressive limb girdle muscle weakness and significantly reduced or absent expression of alpha-sarcoglycan in skeletal muscle, which is highly specific for SGCA-related LGMD (PP4_Strong; PMID: 39755676). The variant has also been reported to segregate with autosomal recessive limb girdle muscular dystrophy in 3 affected family members from one family (PP1, capped with PP4_Strong; International Centre for Genomic Medicine in Neuromuscular Diseases internal data communication). The upper bound of the 95% confidence interval of the Grpmax variant allele frequency in gnomAD v4.1.1 is 0.000085 (3/91042 South Asian alleles), which is lower than the LGMD VCEP threshold (<0.00009) for PM2_Supporting, and therefore meets this criterion. In summary, this variant meets the criteria to be classified as Pathogenic for autosomal recessive limb girdle muscular dystrophy based on the ACMG/AMP criteria applied, as specified by the ClinGen LGMD VCEP (LGMD VCEP specifications version 2.0.0; 04/29/2026): PVS1_RNA_Moderate, PM3, PP1, PM2_Supporting, PP4_Strong.

PreventionGenetics, part of Exact Sciences
Classification: Pathogenic for SGCA-related condition. Last evaluated: 2026-06-29. Review status: criteria provided, single submitter. Criteria: ACMG Guidelines, 2015. Collection method: clinical testing. Allele origin: germline. Not counted in ClinVar's aggregate classification.
Comment: The SGCA c.37+6T>C variant is predicted to interfere with splicing. This variant has been reported in the homozygous state or with a second SGCA variant in individuals with sarcoglycanopathy (Bardhan et al 2022. PubMed ID: 35416532; Shimazaki et al. 2025. PubMed ID: 39755676). RNA sequencing indicates this variant results in an out-of-frame 59 bp extension of exon 1 (Shimazaki et al. 2025. PubMed ID: 39755676). This variant is reported in 0.0033% of alleles in individuals of South Asian descent in gnomAD. Other variants impacting the same splice site (c.37+1G>T, c.37+3A>T) have also been reported in individuals with SGCA-related disorders (Bardhan et al 2022. PubMed ID: 35416532; Carrié et al. 1997. PubMed ID: 9192266). This variant is interpreted as pathogenic.

Labcorp Genetics (formerly Invitae), Labcorp
Classification: Pathogenic for Autosomal recessive limb-girdle muscular dystrophy type 2D. Last evaluated: 2025-12-10. Review status: criteria provided, single submitter. Criteria: Invitae Variant Classification Sherloc (09022015). Collection method: clinical testing. Allele origin: germline. Not counted in ClinVar's aggregate classification.
Comment: This sequence change falls in intron 1 of the SGCA gene. It does not directly change the encoded amino acid sequence of the SGCA protein. It affects a nucleotide within the consensus splice site. This variant is present in population databases (rs751466815, gnomAD 0.003%). This variant has been observed in individuals with clinical features of limb-girdle muscular dystrophy (PMID: 35116532; internal data). ClinVar contains an entry for this variant (Variation ID: 281148). Variants that disrupt the consensus splice site are a relatively common cause of aberrant splicing (PMID: 17576681, 9536098). Studies have shown that this variant alters mRNA splicing and is expected to lead to the loss of protein expression (external communication). For these reasons, this variant has been classified as Pathogenic.

GeneDx
Classification: Likely pathogenic. Last evaluated: 2025-02-28. Review status: criteria provided, single submitter. Criteria: GeneDx Variant Classification Process June 2021. Collection method: clinical testing. Allele origin: germline. Affected: yes. Not counted in ClinVar's aggregate classification.
Comment: RNA studies demonstrate a damaging effect: an 59 bp out-of-frame extension of the 3 end of exon 1 (PMID: 39755676); Not observed at significant frequency in large population cohorts (gnomAD); In silico analysis supports a deleterious effect on splicing; This variant is associated with the following publications: (PMID: 39755676, 35416532)

Natera, Inc.
Classification: Likely pathogenic for Limb-girdle muscular dystrophy type 2D. Last evaluated: 2026-06-24. Review status: no assertion criteria provided. Collection method: clinical testing. Allele origin: germline. Not counted in ClinVar's aggregate classification.
Comment: The c.37+6T>C variant in SGCA is an intronic variant located outside the canonical splice sites. This variant is rare in the general population with a frequency below the threshold expected for the associated phenotype(s). This variant has been observed in one or more individuals affected with the associated recessive disease, as either homozygous or compound heterozygous with a second variant (PMID: 35416532, 39755676). Functional studies show that this variant may disrupt protein function (PMID: 39755676). Computational prediction algorithms indicate this variant is likely to affect gene or protein function. Given the available evidence, this variant is classified as Likely Pathogenic.

Genome-Nilou Lab
Classification: Uncertain significance for Autosomal recessive limb-girdle muscular dystrophy type 2D. Last evaluated: 2023-02-08. Review status: flagged submission. Criteria: ACMG Guidelines, 2015. Collection method: clinical testing. Allele origin: germline. Not counted in ClinVar's aggregate classification.
ClinVar note: Reason: Conflicts with expert reviewed submission without evidence to support different classification

Revvity Omics, Revvity
Classification: Uncertain significance for Autosomal recessive limb-girdle muscular dystrophy type 2D. Last evaluated: 2022-06-01. Review status: flagged submission. Criteria: ACMG Guidelines, 2015. Collection method: clinical testing. Allele origin: germline. Not counted in ClinVar's aggregate classification.
ClinVar note: Reason: Conflicts with expert reviewed submission without evidence to support different classification

Eurofins Ntd Llc (ga)
Classification: Uncertain significance. Last evaluated: 2016-06-19. Review status: flagged submission. Criteria: EGL Classification Definitions 2015. Collection method: clinical testing. Allele origin: germline. Observed: 2 variant alleles, 1 heterozygote, 1 homozygote. Not counted in ClinVar's aggregate classification.
ClinVar note: Reason: Conflicts with expert reviewed submission without evidence to support different classification

Neuberg Centre For Genomic Medicine, NCGM
Classification: Uncertain significance for Autosomal recessive limb-girdle muscular dystrophy type 2D. Review status: flagged submission. Criteria: ACMG Guidelines, 2015. Collection method: clinical testing. Allele origin: germline. Inheritance: Autosomal recessive inheritance. Affected: yes. Not counted in ClinVar's aggregate classification.
ClinVar note: Reason: Conflicts with expert reviewed submission without evidence to support different classification

Literature cited by the submitters: PubMed 35116532 (cited by Labcorp Genetics (formerly Invitae), Labcorp); PubMed 17576681 (cited by Labcorp Genetics (formerly Invitae), Labcorp); PubMed 9536098 (cited by Labcorp Genetics (formerly Invitae), Labcorp); PubMed 35416532 (cited by Natera, Inc.); PubMed 39755676 (cited by Natera, Inc.).

NM_000023.4(SGCA):c.37+6T>C

Gene: SGCA (sarcoglycan alpha; plus strand). Cytogenetic location: 17q21.33.
Variant type: single nucleotide variant.
Coding change: c.37+6T>C on transcript NM_000023.4 (MANE Select); 6 bases into the intron after coding-DNA position 37, T replaced by C.
Molecular consequence: intron variant.
Genome position (GRCh38, 1-based): chr17:50,166,083, T>C. VCF-style: chr17-50166083-T-C. GRCh37 (hg19) VCF-style: chr17-48243444-T-C.
Other names: c.37+6T>C (NM_000023.3, NM_001135697.3, LRG_203t1).
Identifiers: ClinVar variation 281148 (VCV000281148.26), dbSNP rs751466815, ClinGen allele CA8643646.